The following is an entry in ClinVar:

NM_020975.6(RET):c.322A>G (p.Lys108Glu)

Gene: RET (ret proto-oncogene; plus strand). Cytogenetic location: 10q11.21.
Variant type: single nucleotide variant.
Coding change: c.322A>G on transcript NM_020975.6 (MANE Select); coding-DNA position 322, A replaced by G.
Protein change: p.Lys108Glu; replaces lysine 108 with glutamic acid.
Molecular consequence: missense variant.
Genome position (GRCh38, 1-based): chr10:43,100,707, A>G. VCF-style: chr10-43100707-A-G. GRCh37 (hg19) VCF-style: chr10-43596155-A-G.
Other names: c.322A>G, p.Lys108Glu (NM_000323.2, NM_001406743.1, NM_001406744.1 and 34 more transcripts); short protein forms K108E.
Identifiers: ClinVar variation 1729164 (VCV001729164.2), dbSNP rs567877611, ClinGen allele CA376770571.

ClinVar aggregate classification (germline): Uncertain significance (1 of 4 stars; one submission).

Conditions:
Hereditary cancer-predisposing syndrome. Also called: Tumor predisposition; Neoplastic Syndromes, Hereditary; Hereditary Cancer Syndrome; Hereditary neoplastic syndrome. Identifiers: Orphanet 140162, MedGen C0027672, MeSH D009386, MONDO:0015356.

Submission:

Ambry Genetics
Classification: Uncertain significance for Hereditary cancer-predisposing syndrome. Last evaluated: 2022-07-11. Review status: criteria provided, single submitter. Criteria: Ambry Variant Classification Scheme 2023. Collection method: clinical testing. Allele origin: germline.
Comment: The p.K108E variant (also known as c.322A>G), located in coding exon 2 of the RET gene, results from an A to G substitution at nucleotide position 322. The lysine at codon 108 is replaced by glutamic acid, an amino acid with similar properties. This amino acid position is conserved. In addition, this alteration is predicted to be tolerated by in silico analysis. Since supporting evidence is limited at this time, the clinical significance of this alteration remains unclear.